The following is an entry in ClinVar:

NM_181507.2(HPS5):c.879dup (p.Lys294fs)

Gene: HPS5 (HPS5 biogenesis of lysosomal organelles complex 2 subunit 2; minus strand). Cytogenetic location: 11p15.1.
Variant type: Duplication.
Coding change: c.879dup on transcript NM_181507.2 (MANE Select); coding-DNA position 879, one base duplicated (C; older notation c.879dupC).
Protein change: p.Lys294fs; shifts the reading frame from lysine 294.
Molecular consequence: frameshift variant.
Genome position (GRCh38, 1-based): chr11:18,305,439, G duplicated on the plus strand (C on the coding strand, the reverse complement: HPS5 is on the minus strand); the first of 4 consecutive G bases (chr11:18,305,439-18,305,442); duplicating any one gives the same sequence. VCF-style (leftmost placement, unchanged base first): chr11-18305438-T-TG. GRCh37 (hg19) VCF-style: chr11-18326985-T-TG.
Other names: c.879dupC (NM_181507.1); c.537dup, p.Lys180fs (NM_007216.4); c.534dup, p.Lys180Glnfs (NM_181508.2); short protein forms K180fs, K294fs.
Identifiers: ClinVar variation 21822 (VCV000021822.5), dbSNP rs281865101, ClinGen allele CA342558.

ClinVar aggregate classification (germline): Pathogenic. Review status: criteria provided, single submitter (1 of 4 stars). 2 submissions from 2 submitters: Pathogenic (1). 1 of the submissions does not count toward it. Last evaluated 2024-03-20.

Conditions:
Hermansky-Pudlak syndrome 5 (HPS5). Identifiers: Orphanet 231512, Orphanet 79430, MedGen C3888004, MONDO:0013557, OMIM 614074.

Submissions (2):

Labcorp Genetics (formerly Invitae), Labcorp
Classification: Pathogenic. Last evaluated: 2024-03-20. Review status: criteria provided, single submitter. Criteria: Invitae Variant Classification Sherloc (09022015). Collection method: clinical testing. Allele origin: germline.
Comment: This sequence change creates a premature translational stop signal (p.Lys294Glnfs*6) in the HPS5 gene. It is expected to result in an absent or disrupted protein product. Loss-of-function variants in HPS5 are known to be pathogenic (PMID: 12548288, 15296495, 21833017, 26785811). This variant is not present in population databases (gnomAD no frequency). This premature translational stop signal has been observed in individual(s) with Hermansky–Pudlak syndrome (PMID: 15296495). This variant is also known as P293insC. ClinVar contains an entry for this variant (Variation ID: 21822). For these reasons, this variant has been classified as Pathogenic.

OMIM
Classification: Pathogenic for HERMANSKY-PUDLAK SYNDROME 5. Last evaluated: 2004-09-01. Review status: no assertion criteria provided. Collection method: literature only. Allele origin: germline. Not counted in ClinVar's aggregate classification.

Literature cited by the submitters: PubMed 12548288 (cited by Labcorp Genetics (formerly Invitae), Labcorp); PubMed 15296495 (cited by Labcorp Genetics (formerly Invitae), Labcorp and OMIM); PubMed 21833017 (cited by Labcorp Genetics (formerly Invitae), Labcorp); PubMed 26785811 (cited by Labcorp Genetics (formerly Invitae), Labcorp); PubMed 28296950 (cited by OMIM).